The following is an entry in ClinVar:

NM_178172.6(GPIHBP1):c.46C>T (p.Arg16Trp)

Gene: GPIHBP1 (glycosylphosphatidylinositol anchored high density lipoprotein binding protein 1; plus strand). Cytogenetic location: 8q24.3.
Variant type: single nucleotide variant.
Coding change: c.46C>T on transcript NM_178172.6 (MANE Select); coding-DNA position 46, C replaced by T.
Protein change: p.Arg16Trp; replaces arginine 16 with tryptophan.
Molecular consequence: missense variant.
Genome position (GRCh38, 1-based): chr8:143,213,313, C>T. VCF-style: chr8-143213313-C-T. GRCh37 (hg19) VCF-style: chr8-144295188-C-T.
Other names: c.46C>T, p.Arg16Trp (NM_001301772.2); c.46C>T (NM_178172.5); short protein forms R16W.
Identifiers: ClinVar variation 1742537 (VCV001742537.4), dbSNP rs779309481, ClinGen allele CA4906992.

ClinVar aggregate classification (germline): Uncertain significance. Review status: criteria provided, multiple submitters, no conflicts (2 of 4 stars). 2 submissions from 2 submitters: Uncertain significance (2). Last evaluated 2026-01-20.

Conditions:
GPIHBP1-related disorder. Also called: GPIHBP1-related condition.
Cardiovascular phenotype. Identifiers: MedGen CN230736.

Allele frequency attached by ClinVar (database versions not stated): gnomAD 0.00007; TOPMed 0.00010; ExAC 0.00012.

Submissions (2):

PreventionGenetics, part of Exact Sciences
Classification: Uncertain significance for GPIHBP1-related condition. Last evaluated: 2026-01-20. Review status: criteria provided, single submitter. Criteria: ACMG Guidelines, 2015. Collection method: clinical testing. Allele origin: germline.
Comment: The GPIHBP1 c.46C>T variant is predicted to result in the amino acid substitution p.Arg16Trp. This variant has been reported in a cohort study with hypertriglyceridemia (Table S2, Deshotels et al. 2022. PubMed ID: 36325899). This variant is reported in 0.059% of alleles in individuals of Latino descent in gnomAD. At this time, the clinical significance of this variant is uncertain due to the absence of conclusive functional and genetic evidence.

Ambry Genetics
Classification: Uncertain significance for Cardiovascular phenotype. Last evaluated: 2024-04-26. Review status: criteria provided, single submitter. Criteria: Ambry Variant Classification Scheme 2023. Collection method: clinical testing. Allele origin: germline.
Comment: The p.R16W variant (also known as c.46C>T), located in coding exon 1 of the GPIHBP1 gene, results from a C to T substitution at nucleotide position 46. The arginine at codon 16 is replaced by tryptophan, an amino acid with dissimilar properties. This amino acid position is conserved. In addition, this alteration is predicted to be tolerated by in silico analysis. Since supporting evidence is limited at this time, the clinical significance of this alteration remains unclear.